The following is an entry in ClinVar:

NM_022765.4(MICAL1):c.832+12_832+13delinsAT

Gene: MICAL1 (microtubule associated monooxygenase, calponin and LIM domain containing 1; minus strand). Cytogenetic location: 6q21.
Variant type: Indel.
Coding change: c.832+12_832+13delinsAT on transcript NM_022765.4 (MANE Select); bases 12 to 13 of the intron after coding-DNA position 832, TC replaced by AT.
Molecular consequence: intron variant.
Genome position (GRCh38, 1-based): chr6:109,452,233-109,452,234, GA replaced by AT on the plus strand (TC replaced by AT on the coding strand, the reverse complement: MICAL1 is on the minus strand). VCF-style: chr6-109452233-GA-AT. GRCh37 (hg19) VCF-style: chr6-109773436-GA-AT.
Other names: c.889+12_889+13delinsAT (NM_001286613.2); c.832+12_832+13delinsAT (NM_001159291.2).
Identifiers: ClinVar variation 1902863 (VCV001902863.5), dbSNP rs2482808812, ClinGen allele CA2580074779.

ClinVar aggregate classification (germline): Uncertain significance (1 of 4 stars; one submission).

Submission:

Labcorp Genetics (formerly Invitae), Labcorp
Classification: Uncertain significance. Last evaluated: 2025-10-10. Review status: criteria provided, single submitter. Criteria: Invitae Variant Classification Sherloc (09022015). Collection method: clinical testing. Allele origin: germline.
Comment: This sequence change falls in intron 6 of the MICAL1 gene. It does not directly change the encoded amino acid sequence of the MICAL1 protein. Information on the frequency of this variant in the gnomAD database is not available, as this variant may be reported differently in the database. This variant has not been reported in the literature in individuals affected with MICAL1-related conditions. ClinVar contains an entry for this variant (Variation ID: 1902863). Experimental studies and prediction algorithms are not available or were not evaluated, and the effect of this variant on mRNA splicing is currently unknown. In summary, the available evidence is currently insufficient to determine the role of this variant in disease. Therefore, it has been classified as a Variant of Uncertain Significance.